The following is an entry in ClinVar:

ClinVar aggregate classification (germline): Uncertain significance (1 of 4 stars; one submission).

Submission:

Labcorp Genetics (formerly Invitae), Labcorp
Classification: Uncertain significance. Last evaluated: 2022-11-15. Review status: criteria provided, single submitter. Criteria: Invitae Variant Classification Sherloc (09022015). Collection method: clinical testing. Allele origin: unknown.
Comment: In summary, the available evidence is currently insufficient to determine the role of this variant in disease. Therefore, it has been classified as a Variant of Uncertain Significance. This variant has not been reported in the literature in individuals affected with PPP2CA-related conditions. A copy number gain of the genomic region encompassing the full coding sequence of the PPP2CA gene has been identified. The boundaries of this event are unknown as they extend beyond the assayed region for this gene and therefore may encompass additional genes. As the precise location of this event is unknown, it may be in tandem or it may be located elsewhere in the genome.

NC_000005.9:g.(?_133533463)_(135398915_?)dup

Genes: C5orf24 (chromosome 5 open reading frame 24; plus strand), CAMLG (calcium modulating ligand; plus strand), CATSPER3 (cation channel sperm associated 3; plus strand), CDKL3 (cyclin dependent kinase like 3; minus strand), CXCL14 (C-X-C motif chemokine ligand 14; minus strand) and 18 more. Cytogenetic location: 5q31.1.
Variant type: Duplication.
Identifiers: ClinVar variation 3246504 (VCV003246504.1).